The following is an entry in ClinVar:

NM_001136234.3(SUPT20HL1):c.1021T>C (p.Leu341=)

Gene: SUPT20HL1 (SUPT20H like 1; plus strand). Cytogenetic location: Xp22.11.
Variant type: single nucleotide variant.
Coding change: c.1021T>C on transcript NM_001136234.3 (MANE Select); coding-DNA position 1021, T replaced by C.
Protein change: p.Leu341=; no amino-acid change (leucine 341 retained).
Molecular consequence: synonymous variant.
Genome position (GRCh38, 1-based): chrX:24,363,781, T>C. VCF-style: chrX-24363781-T-C. GRCh37 (hg19) VCF-style: chrX-24381898-T-C.
Identifiers: ClinVar variation 2660189 (VCV002660189.24), dbSNP rs141432680, ClinGen allele CA10371938.

ClinVar aggregate classification (germline): Likely benign (1 of 4 stars; one submission).

Allele frequency attached by ClinVar (database versions not stated): TOPMed 0.00026; gnomAD 0.00027; gnomAD exomes 0.00037; ExAC 0.00043; 1000 Genomes Project 30x 0.00125; 1000 Genomes Project 0.00132.

Submission:

CeGaT Center for Human Genetics Tuebingen
Classification: Likely benign. Last evaluated: 2022-08-01. Review status: criteria provided, single submitter. Criteria: CeGaT Center For Human Genetics Tuebingen Variant Classification Criteria Version 2. Collection method: clinical testing. Allele origin: germline. Affected: yes. Observed: 1 variant allele.
Comment: SUPT20HL1: BP4, BP7